The following is an entry in ClinVar:

ClinVar aggregate classification (germline): Uncertain significance (1 of 4 stars; one submission).

Conditions:
Hereditary diffuse gastric adenocarcinoma (HDGC). Also called: DIFFUSE GASTRIC AND LOBULAR BREAST CANCER SYNDROME. Identifiers: Orphanet 26106, MedGen C1708349, MONDO:0007648, OMIM 137215.

Allele frequency attached by ClinVar (database versions not stated): 1000 Genomes Project 0.00260; 1000 Genomes Project 30x 0.00281; TOPMed 0.00444; gnomAD 0.00452.
gnomAD v4.1: 688 of 152,254 alleles (0.45%); highest among the groups gnomAD compares: Non-Finnish European, 0.74%; 2 homozygotes.

Submission:

European Reference Network on Genetic Tumour Risk Syndromes (ERN-GENTURIS), i3s - Instituto de Investigação e Inovação em Saúde, University of Porto
Classification: Uncertain significance for Hereditary diffuse gastric adenocarcinoma. Last evaluated: 2022-08-01. Review status: criteria provided, single submitter. Criteria: Lee et al. (Hum Mutat. 2018). Collection method: clinical testing. Allele origin: germline. Inheritance: Autosomal dominant inheritance. Affected: no. Study: ERN GENTURIS.
Comment: PM2 (PMID: 30311375)

Literature cited by the submitters: PubMed 36436516.

NM_004360.5(CDH1):c.1712-161G>A

Gene: CDH1 (cadherin 1; plus strand). Cytogenetic location: 16q22.1.
Variant type: single nucleotide variant.
Coding change: c.1712-161G>A on transcript NM_004360.5 (MANE Select); 161 bases into the intron before coding-DNA position 1712, G replaced by A.
Molecular consequence: intron variant.
Genome position (GRCh38, 1-based): chr16:68,821,840, G>A. VCF-style: chr16-68821840-G-A. GRCh37 (hg19) VCF-style: chr16-68855743-G-A.
Other names: c.164-161G>A (NM_001317185.2); c.-254-161G>A (NM_001317186.2); c.1529-161G>A (NM_001317184.2).
Identifiers: ClinVar variation 2502971 (VCV002502971.1), dbSNP rs150483419, ClinGen allele CA283311815.
Genomic context (GRCh38, chr16:68,821,840, plus strand): 5'-TCAAGGTGGGAATAAGTTGTCTGTGTAAAACGGCCAGAGACCTGCCCACCTGGGAGTGGA[G>A]GTCCTTTGGGATTGGTGGGACAGGAGGTTCTGCGGGTGGAGTGGGGCCTGGTGAGGGACC-3'